The following is an entry in ClinVar:

ClinVar aggregate classification (germline): Uncertain significance (1 of 4 stars; one submission).

Conditions:
Cardiovascular phenotype. Identifiers: MedGen CN230736.

Submission:

Ambry Genetics
Classification: Uncertain significance for Cardiovascular phenotype. Last evaluated: 2025-03-23. Review status: criteria provided, single submitter. Criteria: Ambry Variant Classification Scheme 2023. Collection method: clinical testing. Allele origin: germline.
Comment: The p.R927L variant (also known as c.2780G>T), located in coding exon 1 of the ZNF469 gene, results from a G to T substitution at nucleotide position 2780. The arginine at codon 927 is replaced by leucine, an amino acid with dissimilar properties. This amino acid position is conserved. In addition, this alteration is predicted to be tolerated by in silico analysis. Based on the available evidence, the clinical significance of this variant remains unclear.

NM_001367624.2(ZNF469):c.2780G>T (p.Arg927Leu)

Gene: ZNF469 (zinc finger protein 469; plus strand). Cytogenetic location: 16q24.2.
Variant type: single nucleotide variant.
Coding change: c.2780G>T on transcript NM_001367624.2 (MANE Select); coding-DNA position 2780, G replaced by T.
Protein change: p.Arg927Leu; replaces arginine 927 with leucine.
Molecular consequence: missense variant.
Genome position (GRCh38, 1-based): chr16:88,430,250, G>T. VCF-style: chr16-88430250-G-T. GRCh37 (hg19) VCF-style: chr16-88496658-G-T.
Other names: NM_001127464.1:c.2780G>T; short protein forms R927L.
Identifiers: ClinVar variation 3987295 (VCV003987295.1).